The following is an entry in ClinVar:

NM_015355.4(SUZ12):c.856C>T (p.Arg286Ter)

Gene: SUZ12 (SUZ12 polycomb repressive complex 2 subunit; plus strand). Cytogenetic location: 17q11.2.
Variant type: single nucleotide variant.
Coding change: c.856C>T on transcript NM_015355.4 (MANE Select); coding-DNA position 856, C replaced by T.
Protein change: p.Arg286Ter; replaces arginine 286 with a stop codon.
Molecular consequence: nonsense.
Genome position (GRCh38, 1-based): chr17:31,976,553, C>T. VCF-style: chr17-31976553-C-T. GRCh37 (hg19) VCF-style: chr17-30303572-C-T.
Other names: c.787C>T, p.Arg263Ter (NM_001321207.2); c.856C>T (NM_015355.2); short protein forms R263*, R286*.
Identifiers: ClinVar variation 2635767 (VCV002635767.2), dbSNP rs372162318, ClinGen allele CA289413101.
Genomic context (GRCh38, chr17:31,976,553, plus strand): 5'-ATTTATGAGAAATGTTTGTTAAATTTAGATGTCAATGAAGAGCTTCCAGCCAGAAGAAAA[C>T]GAAATCGTGAGGATGGGGAAAAGACATTTGTTGCACAAATGACAGTATTTGATAAAAACA-3'

ClinVar aggregate classification (germline): Pathogenic/Likely pathogenic. Review status: criteria provided, multiple submitters, no conflicts (2 of 4 stars). 2 submissions from 2 submitters: Pathogenic (1); Likely pathogenic (1). Last evaluated 2025-04-24.

Conditions:
Inborn genetic diseases. Identifiers: MedGen C0950123, MeSH D030342.
SUZ12-related disorder. Also called: SUZ12-related condition.

Allele frequency attached by ClinVar (database versions not stated): gnomAD 0.00001.
gnomAD v4.1: 1 of 1,612,440 alleles (0.000062%); highest among the groups gnomAD compares: Non-Finnish European, 0.000085%; no homozygotes.

Submissions (2):

Ambry Genetics
Classification: Pathogenic for Inborn genetic diseases. Last evaluated: 2025-04-24. Review status: criteria provided, single submitter. Criteria: Ambry Variant Classification Scheme 2023. Collection method: clinical testing. Allele origin: germline.
Comment: The c.856C>T (p.R286*) alteration, located in exon 8 (coding exon 8) of the SUZ12 gene, consists of a C to T substitution at nucleotide position 856. This changes the amino acid from an arginine (R) to a stop codon at amino acid position 286. This alteration is expected to result in loss of function by premature protein truncation or nonsense-mediated mRNA decay. This variant was not reported in population-based cohorts in the Genome Aggregation Database (gnomAD). Based on the available evidence, this alteration is classified as pathogenic.

PreventionGenetics, part of Exact Sciences
Classification: Likely pathogenic for SUZ12-related condition. Last evaluated: 2023-04-10. Review status: criteria provided, single submitter. Criteria: ACMG Guidelines, 2015. Collection method: clinical testing. Allele origin: germline.
Comment: The SUZ12 c.856C>T variant is predicted to result in premature protein termination (p.Arg286*). To our knowledge, this variant has not been reported in the literature or in a large population database, indicating this variant is rare. Nonsense variants in SUZ12 are expected to be pathogenic. This variant is interpreted as likely pathogenic.